The following is an entry in ClinVar:

ClinVar aggregate classification (germline): Uncertain significance. Review status: criteria provided, multiple submitters, no conflicts (2 of 4 stars). 2 submissions from 2 submitters: Uncertain significance (2). Last evaluated 2021-03-03.

Conditions:
Cardiovascular phenotype. Identifiers: MedGen CN230736.

Allele frequency attached by ClinVar (database versions not stated): gnomAD 0.00001; TOPMed 0.00001.
gnomAD v4.1: 1 of 1,612,984 alleles (0.000062%); highest among the groups gnomAD compares: Non-Finnish European, 0.000085%; no homozygotes.

Submissions (2):

Ambry Genetics
Classification: Uncertain significance for Cardiovascular phenotype. Last evaluated: 2021-03-03. Review status: criteria provided, single submitter. Criteria: Ambry Variant Classification Scheme 2023. Collection method: clinical testing. Allele origin: germline.
Comment: The p.G241V variant (also known as c.722G>T), located in coding exon 6 of the TRPM4 gene, results from a G to T substitution at nucleotide position 722. The glycine at codon 241 is replaced by valine, an amino acid with dissimilar properties. This amino acid position is well conserved in available vertebrate species. In addition, this alteration is predicted to be tolerated by in silico analysis. Since supporting evidence is limited at this time, the clinical significance of this alteration remains unclear.

GeneDx
Classification: Uncertain significance. Last evaluated: 2019-07-03. Review status: criteria provided, single submitter. Criteria: GeneDx Variant Classification Process June 2021. Collection method: clinical testing. Allele origin: germline. Affected: yes.
Comment: Has not been previously published as pathogenic or benign to our knowledge; Not observed in large population cohorts (Lek et al., 2016); In silico analysis, which includes protein predictors and evolutionary conservation, supports a deleterious effect

NM_017636.4(TRPM4):c.722G>T (p.Gly241Val)

Gene: TRPM4 (transient receptor potential cation channel subfamily M member 4; plus strand). Cytogenetic location: 19q13.33.
Variant type: single nucleotide variant.
Coding change: c.722G>T on transcript NM_017636.4 (MANE Select); coding-DNA position 722, G replaced by T.
Protein change: p.Gly241Val; replaces glycine 241 with valine.
Molecular consequence: missense variant. On other transcripts: 5 prime UTR variant (2).
Genome position (GRCh38, 1-based): chr19:49,168,662, G>T. VCF-style: chr19-49168662-G-T. GRCh37 (hg19) VCF-style: chr19-49671919-G-T.
Other names: c.722G>T, p.Gly241Val (NM_001195227.2); c.377G>T, p.Gly126Val (NM_001321281.2); c.-832G>T (NM_001321282.2); c.200G>T, p.Gly67Val (NM_001321283.2); c.-128G>T (NM_001321285.2); short protein forms G126V, G241V, G67V.
Identifiers: ClinVar variation 1317243 (VCV001317243.4), dbSNP rs1967332418, ClinGen allele CA406792647.